The following is an entry in ClinVar:

NM_001009944.3(PKD1):c.10349A>G (p.Glu3450Gly)

Gene: PKD1 (polycystin 1, transient receptor potential channel interacting; minus strand). Cytogenetic location: 16p13.3.
Variant type: single nucleotide variant.
Coding change: c.10349A>G on transcript NM_001009944.3 (MANE Select); coding-DNA position 10349, A replaced by G.
Protein change: p.Glu3450Gly; replaces glutamic acid 3450 with glycine.
Molecular consequence: missense variant.
Genome position (GRCh38, 1-based): chr16:2,097,375, T>C on the plus strand (A>G on the coding strand, the complement: PKD1 is on the minus strand). VCF-style: chr16-2097375-T-C. GRCh37 (hg19) VCF-style: chr16-2147376-T-C.
Other names: c.10346A>G, p.Glu3449Gly (NM_000296.4); short protein forms E3449G, E3450G.
Identifiers: ClinVar variation 997115 (VCV000997115.1), dbSNP rs1321795630, ClinGen allele CA394345160.

ClinVar aggregate classification (germline): Uncertain significance (0 of 4 stars; one submission).

Conditions:
Polycystic kidney disease. Also called: Polycystic kidney dysplasia; Kidney, Polycystic. Identifiers: MedGen C0022680, MeSH D007690, MONDO:0020642, HP:0000113.

Allele frequency attached by ClinVar (database versions not stated): gnomAD exomes below 0.00001.
gnomAD v4.1: 1 of 1,611,788 alleles (0.000062%); highest among the groups gnomAD compares: South Asian, 0.0011%; no homozygotes.

Submission:

Department of Pathology and Laboratory Medicine, Sinai Health System
Classification: Uncertain significance for Polycystic Kidney disease. Review status: no assertion criteria provided. Collection method: clinical testing. Allele origin: unknown. Affected: yes. Study: The Canadian Open Genetics Repository (COGR).
Comment: The PKD1 p.Glu3450Gly variant was not identified in the literature nor was it identified in the ClinVar, LOVD 3.0, ADPKD Mutation Database, or PKD1-LOVD, databases. The variant was identified in dbSNP (ID: rs1321795630). The variant was identified in control databases in 1 of 242566 chromosomes at a frequency of 0.000004 (Genome Aggregation Database Feb 27, 2017). The variant was observed in the SouthAsian population in 1 of 30760 chromosomes (freq: 0.000033), while the variant was not observed in the African, Other, Latino, European, Ashkenazi Jewish, East Asian, and Finnish, populations. In addition we cannot be certain that data from control databases is specific to PKD1 and not from one of the six PKD1 pseudogenes. The p.Glu3450 residue is not conserved in mammals and computational analyses (PolyPhen-2, SIFT, AlignGVGD, BLOSUM, MutationTaster) provide inconsistent predictions regarding the impact to the protein; this information is not very predictive of pathogenicity. The variant occurs outside of the splicing consensus sequence and in silico or computational prediction software programs (SpliceSiteFinder, MaxEntScan, NNSPLICE, GeneSplicer) do not predict a difference in splicing. In summary, based on the above information the clinical significance of this variant cannot be determined with certainty at this time. This variant is classified as a variant of uncertain significance.